The following is an entry in ClinVar:

NM_001201543.2(FAM161A):c.148GAG[2] (p.Glu52del)

Genes: FAM161A (FAM161 centrosomal protein A; minus strand), LOC129933843 (ATAC-STARR-seq lymphoblastoid active region 15839; plus strand). Cytogenetic location: 2p15.
Variant type: Microsatellite.
Coding change: c.148GAG[2] on transcript NM_001201543.2 (MANE Select); two copies in a row of the 3-base unit GAG starting at c.148; the reference has three copies in a row; one copy, 3 bases deleted; also written c.154_156del.
Protein change: p.Glu52del; deletes glutamic acid 52.
Molecular consequence: inframe deletion. On other transcripts: non-coding transcript variant (1).
Genome position (GRCh38, 1-based): chr2:61,853,886-61,853,888, CTC deleted on the plus strand (GAG on the coding strand, the reverse complement: FAM161A is on the minus strand); deleting any 3 consecutive bases within chr2:61,853,886-61,853,894 gives the same sequence; the position shown is the placement nearest the transcript's 3' end. VCF-style (leftmost placement, unchanged base first): chr2-61853885-TCTC-T. GRCh37 (hg19) VCF-style: chr2-62081020-TCTC-T.
Other names: c.148GAG[2], p.Glu52del (NM_032180.3); c.154_156del (NM_001201543.2); c.154_156delGAG (NM_001201543.2); short protein forms E52del.
Identifiers: ClinVar variation 968278 (VCV000968278.9), dbSNP rs528451151, ClinGen allele CA1679438.
Genomic context (GRCh38, chr2:61,853,885, plus strand): 5'-CGAGGTCCCAGCCCAAGTCCCGCCCCAGTATTACCGATGCCCCAGCGGGCTGAGCCACTT[TCTC>T]CTCCTCTTCGTCCTCCAAGATCGCCTCCGCTGCCGCCAGGGCCTTTAAGGGGTCTTCGCG-3'

ClinVar aggregate classification (germline): Uncertain significance. Review status: criteria provided, multiple submitters, no conflicts (2 of 4 stars). 5 submissions from 5 submitters: Uncertain significance (4). 1 of the submissions does not count toward it. Last evaluated 2025-03-17.

Conditions:
Retinitis pigmentosa 28 (RP28). Identifiers: Orphanet 791, MedGen C1419614, MONDO:0011630, OMIM 606068.

Submissions (5):

Dasa
Classification: Uncertain significance for Retinitis pigmentosa 28. Last evaluated: 2025-03-17. Review status: criteria provided, single submitter. Criteria: DASA Assertion Criteria. Collection method: clinical testing. Allele origin: germline.
Comment: NM_001201543.2(FAM161A):c.154_156del (p.Glu52del) is an in-frame deletion predicted to remove glutamic acid at protein position 52 without shifting the reading frame. This variant is rare in population databases. The currently available literature and clinical evidence are not sufficient to establish a definitive association between this variant and the reported condition. Therefore, this variant is classified as a variant of uncertain significance.

Women's Health and Genetics/Laboratory Corporation of America, LabCorp
Classification: Uncertain significance. Last evaluated: 2024-10-14. Review status: criteria provided, single submitter. Criteria: LabCorp Variant Classification Summary - May 2015. Collection method: clinical testing. Allele origin: germline.
Comment: Variant summary: FAM161A c.154_156delGAG (p.Glu52del) results in an in-frame deletion that is predicted to remove one amino acids from the encoded protein. The variant allele was found at a frequency of 9.3e-05 in 248424 control chromosomes. This frequency is not significantly higher than estimated for a pathogenic variant in FAM161A causing Retinitis Pigmentosa (9.3e-05 vs 0.00063), allowing no conclusion about variant significance. To our knowledge, no occurrence of c.154_156delGAG in individuals affected with Retinitis Pigmentosa and no experimental evidence demonstrating its impact on protein function have been reported. ClinVar contains an entry for this variant (Variation ID: 968278). Based on the evidence outlined above, the variant was classified as uncertain significance.

Blueprint Genetics
Classification: Uncertain significance. Last evaluated: 2024-07-09. Review status: criteria provided, single submitter. Criteria: ACMG Guidelines, 2015. Collection method: clinical testing. Allele origin: germline.

Labcorp Genetics (formerly Invitae), Labcorp
Classification: Uncertain significance. Last evaluated: 2022-10-05. Review status: criteria provided, single submitter. Criteria: Invitae Variant Classification Sherloc (09022015). Collection method: clinical testing. Allele origin: germline.
Comment: This variant, c.154_156del, results in the deletion of 1 amino acid(s) of the FAM161A protein (p.Glu52del), but otherwise preserves the integrity of the reading frame. This variant is present in population databases (rs528451151, gnomAD 0.1%). This variant has not been reported in the literature in individuals affected with FAM161A-related conditions. ClinVar contains an entry for this variant (Variation ID: 968278). Experimental studies and prediction algorithms are not available or were not evaluated, and the functional significance of this variant is currently unknown. In summary, the available evidence is currently insufficient to determine the role of this variant in disease. Therefore, it has been classified as a Variant of Uncertain Significance.

Natera, Inc.
Classification: Uncertain significance for Retinitis pigmentosa type 28. Last evaluated: 2020-12-03. Review status: no assertion criteria provided. Collection method: clinical testing. Allele origin: germline. Not counted in ClinVar's aggregate classification.